The following is an entry in ClinVar:

NC_000017.11:g.31349121del

Gene: NF1 (neurofibromin 1; plus strand). Cytogenetic location: 17q11.2.
Variant type: Deletion.
Genome position: GRCh38 VCF-style: chr17-31349118-AG-A. GRCh37 (hg19) VCF-style: chr17-29676136-AG-A.
Identifiers: ClinVar variation 657065 (VCV000657065.7), dbSNP rs1597858338, ClinGen allele CA499239052.

ClinVar aggregate classification (germline): Pathogenic (1 of 4 stars; one submission).

Conditions:
Neurofibromatosis, type 1 (NF1). Also called: NEUROFIBROMATOSIS, TYPE I, SOMATIC; Neurofibromatosis, type I; Peripheral type neurofibromatosis; VON RECKLINGHAUSEN DISEASE. Identifiers: Orphanet 636, MedGen C0027831, MONDO:0018975, OMIM 162200. Disease mechanism: loss of function.

Submission:

Labcorp Genetics (formerly Invitae), Labcorp
Classification: Pathogenic for Neurofibromatosis, type 1. Last evaluated: 2018-11-19. Review status: criteria provided, single submitter. Criteria: Invitae Variant Classification Sherloc (09022015). Collection method: clinical testing. Allele origin: germline.
Comment: A different variant (c.7125delA) giving rise to the same protein effect observed here (p.Tyr2377Thrfs*20) has been determined to be pathogenic (PMID: 29566708, 24789688). This suggests that this variant is also likely to be causative of disease. This variant has not been reported in the literature in individuals with NF1-related disease. This variant is not present in population databases (ExAC no frequency). This sequence change creates a premature translational stop signal (p.Tyr2377Thrfs*20) in the NF1 gene. It is expected to result in an absent or disrupted protein product. For these reasons, this variant has been classified as Pathogenic. Loss-of-function variants in NF1 are known to be pathogenic (PMID: 10712197, 23913538).

Literature cited by the submitters: PubMed 29566708; PubMed 24789688; PubMed 10712197; PubMed 23913538.